The following is an entry in ClinVar:

ClinVar aggregate classification (germline): Uncertain significance (1 of 4 stars; one submission).

Conditions:
Autosomal recessive limb-girdle muscular dystrophy type 2J (LGMDR10). Also called: Limb-girdle muscular dystrophy, type 2J; MUSCULAR DYSTROPHY, LIMB-GIRDLE, AUTOSOMAL RECESSIVE 10. Identifiers: Orphanet 140922, MedGen C1837342, MONDO:0012127, OMIM 608807.
Dilated cardiomyopathy 1G (CMD1G). Identifiers: Orphanet 154, MedGen C1858763, MONDO:0011400, OMIM 604145.

Allele frequency attached by ClinVar (database versions not stated): gnomAD exomes below 0.00001; ExAC 0.00001.
gnomAD v4.1: 1 of 1,604,842 alleles (0.000062%); highest among the groups gnomAD compares: Non-Finnish European, 0.000085%; no homozygotes.

Submission:

Labcorp Genetics (formerly Invitae), Labcorp
Classification: Uncertain significance for Dilated cardiomyopathy 1G; Autosomal recessive limb-girdle muscular dystrophy type 2J. Last evaluated: 2022-11-06. Review status: criteria provided, single submitter. Criteria: Invitae Variant Classification Sherloc (09022015). Collection method: clinical testing. Allele origin: germline.
Comment: This variant has not been reported in the literature in individuals affected with TTN-related conditions. Experimental studies and prediction algorithms are not available or were not evaluated, and the functional significance of this variant is currently unknown. Variants that disrupt the consensus splice site are a relatively common cause of aberrant splicing (PMID: 17576681, 9536098). Algorithms developed to predict the effect of sequence changes on RNA splicing suggest that this variant may create or strengthen a splice site. In summary, the available evidence is currently insufficient to determine the role of this variant in disease. Therefore, it has been classified as a Variant of Uncertain Significance. This variant is located in the A band of TTN (PMID: 25589632). Variants in this region may be relevant for cardiac or neuromuscular disorders (PMID: 25589632, 23975875). This sequence change replaces aspartic acid, which is acidic and polar, with asparagine, which is neutral and polar, at codon 21558 of the TTN protein (p.Asp21558Asn). This variant also falls at the last nucleotide of exon 309, which is part of the consensus splice site for this exon. This variant is present in population databases (rs200086516, gnomAD 0.0009%).

Literature cited by the submitters: PubMed 17576681; PubMed 9536098; PubMed 25589632; PubMed 23975875.

NM_001267550.2(TTN):c.64672G>A (p.Asp21558Asn)

Genes: TTN (titin; minus strand), TTN-AS1 (TTN antisense RNA 1; plus strand). Cytogenetic location: 2q31.2.
Variant type: single nucleotide variant.
Coding change: c.64672G>A on transcript NM_001267550.2 (MANE Select); coding-DNA position 64672, G replaced by A.
Protein change: p.Asp21558Asn; replaces aspartic acid 21558 with asparagine.
Molecular consequence: missense variant.
Genome position (GRCh38, 1-based): chr2:178,585,072, C>T on the plus strand (G>A on the coding strand, the complement: TTN is on the minus strand). VCF-style: chr2-178585072-C-T. GRCh37 (hg19) VCF-style: chr2-179449799-C-T.
Other names: c.59749G>A, p.Asp19917Asn (NM_001256850.1); c.37477G>A, p.Asp12493Asn (NM_003319.4); c.56968G>A, p.Asp18990Asn (NM_133378.4); c.37852G>A, p.Asp12618Asn (NM_133432.3); c.38053G>A, p.Asp12685Asn (NM_133437.4); short protein forms D18990N, D12618N, D12493N, D19917N, D21558N, D12685N.
Identifiers: ClinVar variation 2932697 (VCV002932697.3), dbSNP rs200086516, ClinGen allele CA1991875.
Genomic context (GRCh38, chr2:178,585,072, plus strand): 5'-TACGTAAAAATATTTCTGAGCTTCATATTTAGATGGCCATTTGTCTAATACTTAACTTAC[C>T]CATGACTACAACTTTGATTTTCTGAGTGTCTGTCCCAGAACTGTTCTCTGCTGTGAGGCT-3'
Protein context (NP_001254479.2, residues 21548-21568): DTQKIKVVVM[Asp21558Asn]APGPPQPPFD